The following is an entry in ClinVar:

NM_019032.6(ADAMTSL4):c.956C>T (p.Thr319Met)

Genes: ADAMTSL4 (ADAMTS like 4; plus strand), ADAMTSL4-AS2 (ADAMTSL4 antisense RNA 2; minus strand). Cytogenetic location: 1q21.2.
Variant type: single nucleotide variant.
Coding change: c.956C>T on transcript NM_019032.6 (MANE Select); coding-DNA position 956, C replaced by T.
Protein change: p.Thr319Met; replaces threonine 319 with methionine.
Molecular consequence: missense variant.
Genome position (GRCh38, 1-based): chr1:150,553,947, C>T. VCF-style: chr1-150553947-C-T. GRCh37 (hg19) VCF-style: chr1-150526423-C-T.
Other names: c.956C>T, p.Thr319Met (NM_001288607.2, NM_001288608.2, NM_001378596.1 and 1 more transcripts); c.956C>T (NM_019032.4); short protein forms T319M.
Identifiers: ClinVar variation 1517218 (VCV001517218.4), dbSNP rs779468275, ClinGen allele CA1078076.

ClinVar aggregate classification (germline): Conflicting classifications of pathogenicity. Review status: criteria provided, conflicting classifications (1 of 4 stars). 2 submissions from 2 submitters: Uncertain significance (1); Likely benign (1). Last evaluated 2023-12-12.

Conditions:
Inborn genetic diseases. Identifiers: MedGen C0950123, MeSH D030342.

Allele frequency attached by ClinVar (database versions not stated): TOPMed 0.00004; ExAC 0.00005; gnomAD 0.00005 and 0.00006; gnomAD exomes 0.00007.

Submissions (2):

Ambry Genetics
Classification: Likely benign for Inborn genetic diseases. Last evaluated: 2023-12-12. Review status: criteria provided, single submitter. Criteria: Ambry Variant Classification Scheme 2023. Collection method: clinical testing. Allele origin: germline.

Labcorp Genetics (formerly Invitae), Labcorp
Classification: Uncertain significance. Last evaluated: 2022-06-25. Review status: criteria provided, single submitter. Criteria: Invitae Variant Classification Sherloc (09022015). Collection method: clinical testing. Allele origin: germline.
Comment: This sequence change replaces threonine, which is neutral and polar, with methionine, which is neutral and non-polar, at codon 319 of the ADAMTSL4 protein (p.Thr319Met). This variant is present in population databases (rs779468275, gnomAD 0.04%). This variant has not been reported in the literature in individuals affected with ADAMTSL4-related conditions. Algorithms developed to predict the effect of missense changes on protein structure and function output the following: SIFT: "Tolerated"; PolyPhen-2: "Benign"; Align-GVGD: "Class C0". The methionine amino acid residue is found in multiple mammalian species, which suggests that this missense change does not adversely affect protein function. In summary, the available evidence is currently insufficient to determine the role of this variant in disease. Therefore, it has been classified as a Variant of Uncertain Significance.